The following is an entry in ClinVar:

NM_000038.6(APC):c.3975A>G (p.Ala1325=)

Gene: APC (APC regulator of Wnt signaling pathway; plus strand). Cytogenetic location: 5q22.2.
Variant type: single nucleotide variant.
Coding change: c.3975A>G on transcript NM_000038.6 (MANE Select); coding-DNA position 3975, A replaced by G.
Protein change: p.Ala1325=; no amino-acid change (alanine 1325 retained).
Molecular consequence: synonymous variant. On other transcripts: non-coding transcript variant (2).
Genome position (GRCh38, 1-based): chr5:112,839,569, A>G. VCF-style: chr5-112839569-A-G. GRCh37 (hg19) VCF-style: chr5-112175266-A-G.
Other names: c.3975A>G, p.Ala1325= (NM_001127510.3, NM_001354895.2, NM_001407450.1); c.3921A>G, p.Ala1307= (NM_001127511.3); c.4029A>G, p.Ala1343= (NM_001354896.2, NM_001407447.1, NM_001407448.1 and 1 more transcripts); c.4005A>G, p.Ala1335= (NM_001354897.2); c.3900A>G, p.Ala1300= (NM_001354898.2); c.3891A>G, p.Ala1297= (NM_001354899.2); c.3852A>G, p.Ala1284= (NM_001354900.2); c.3798A>G, p.Ala1266= (NM_001354901.2, NM_001407453.1); and 11 more.
Identifiers: ClinVar variation 3148119 (VCV003148119.1), dbSNP rs2149903274, ClinGen allele CA445963977.

ClinVar aggregate classification (germline): Benign (1 of 4 stars; one submission).

Conditions:
Familial adenomatous polyposis 1 (FAP1). Also called: POLYPOSIS, ADENOMATOUS INTESTINAL; FAMILIAL ADENOMATOUS POLYPOSIS 1, ATTENUATED. Identifiers: MedGen C2713442, MONDO:0021056, OMIM 175100. Disease mechanism: loss of function.

Submission:

Myriad Genetics, Inc.
Classification: Benign for Familial adenomatous polyposis 1. Last evaluated: 2024-03-25. Review status: criteria provided, single submitter. Criteria: Myriad Autosomal Dominant, Autosomal Recessive and X-Linked Classification Criteria (2023). Collection method: clinical testing. Allele origin: unknown.
Comment: This variant is considered benign. This variant is a silent/synonymous amino acid change and it is not expected to impact splicing.